The following is an entry in ClinVar:

ClinVar aggregate classification (germline): Uncertain significance (1 of 4 stars; one submission).

Allele frequency attached by ClinVar (database versions not stated): TOPMed below 0.00001; gnomAD 0.00001; gnomAD exomes 0.00002; ExAC 0.00003.
gnomAD v4.1: 17 of 1,607,910 alleles (0.0011%); highest among the groups gnomAD compares: South Asian, 0.0022%; no homozygotes.

Submission:

Labcorp Genetics (formerly Invitae), Labcorp
Classification: Uncertain significance. Last evaluated: 2025-07-13. Review status: criteria provided, single submitter. Criteria: Invitae Variant Classification Sherloc (09022015). Collection method: clinical testing. Allele origin: germline.
Comment: This sequence change replaces valine, which is neutral and non-polar, with methionine, which is neutral and non-polar, at codon 1550 of the CACNA1E protein (p.Val1550Met). This variant is present in population databases (rs773509097, gnomAD 0.02%). This variant has not been reported in the literature in individuals affected with CACNA1E-related conditions. ClinVar contains an entry for this variant (Variation ID: 1517191). Invitae Evidence Modeling of protein sequence and biophysical properties (such as structural, functional, and spatial information, amino acid conservation, physicochemical variation, residue mobility, and thermodynamic stability) has been performed for this missense variant. However, the output from this modeling did not meet the statistical confidence thresholds required to predict the impact of this variant on CACNA1E protein function. In summary, the available evidence is currently insufficient to determine the role of this variant in disease. Therefore, it has been classified as a Variant of Uncertain Significance.

NM_001205293.3(CACNA1E):c.4648G>A (p.Val1550Met)

Gene: CACNA1E (calcium voltage-gated channel subunit alpha1 E; plus strand). Cytogenetic location: 1q25.3.
Variant type: single nucleotide variant.
Coding change: c.4648G>A on transcript NM_001205293.3 (MANE Select); coding-DNA position 4648, G replaced by A.
Protein change: p.Val1550Met; replaces valine 1550 with methionine.
Molecular consequence: missense variant.
Genome position (GRCh38, 1-based): chr1:181,762,616, G>A. VCF-style: chr1-181762616-G-A. GRCh37 (hg19) VCF-style: chr1-181731752-G-A.
Other names: c.4648G>A, p.Val1550Met (NM_000721.4); c.4591G>A, p.Val1531Met (NM_001205294.2); short protein forms V1531M, V1550M.
Identifiers: ClinVar variation 1517191 (VCV001517191.6), dbSNP rs773509097, ClinGen allele CA1275907.